The following is an entry in ClinVar:

ClinVar aggregate classification (germline): Benign (0 of 4 stars; one submission).

Conditions:
CHAMP1-related disorder. Also called: CHAMP1-related condition.

Submission:

PreventionGenetics, part of Exact Sciences
Classification: Benign for CHAMP1-related condition. Last evaluated: 2019-03-28. Review status: no assertion criteria provided. Collection method: clinical testing. Allele origin: germline.
Comment: This variant is classified as benign based on ACMG/AMP sequence variant interpretation guidelines (Richards et al. 2015 PMID: 25741868, with internal and published modifications).

NM_032436.4(CHAMP1):c.-11CAGA[1]

Gene: CHAMP1 (chromosome alignment maintaining phosphoprotein 1; plus strand). Cytogenetic location: 13q34.
Variant type: Microsatellite.
Coding change: c.-11CAGA[1] on transcript NM_032436.4 (MANE Select); one copy of the 4-base unit CAGA starting at c.-11; the reference has two copies in a row; one copy, 4 bases deleted.
Molecular consequence: 5 prime UTR variant.
Genome position (GRCh38, 1-based): chr13:114,323,836-114,323,839, CAGA deleted; deleting any 4 consecutive bases within chr13:114,323,831-114,323,839 gives the same sequence; the position shown is the placement nearest the transcript's 3' end. VCF-style (leftmost placement, unchanged base first): chr13-114323830-AACAG-A. GRCh37 (hg19) VCF-style: chr13-115089305-AACAG-A.
Other names: c.-11CAGA[1] (NM_001164144.3, NM_001164145.3).
Identifiers: ClinVar variation 3037367 (VCV003037367.2), ClinGen allele CA7070565.